The following is an entry in ClinVar:

NM_001040616.3(LINS1):c.997G>A (p.Asp333Asn)

Gene: LINS1 (lines homolog 1; minus strand). Cytogenetic location: 15q26.3.
Variant type: single nucleotide variant.
Coding change: c.997G>A on transcript NM_001040616.3 (MANE Select); coding-DNA position 997, G replaced by A.
Protein change: p.Asp333Asn; replaces aspartic acid 333 with asparagine.
Molecular consequence: missense variant. On other transcripts: non-coding transcript variant (3).
Genome position (GRCh38, 1-based): chr15:100,573,876, C>T on the plus strand (G>A on the coding strand, the complement: LINS1 is on the minus strand). VCF-style: chr15-100573876-C-T. GRCh37 (hg19) VCF-style: chr15-101114081-C-T.
Other names: c.250G>A, p.Asp84Asn (NM_001352507.2); c.952G>A, p.Asp318Asn (NM_001352508.2); short protein forms D84N, D318N, D333N.
Identifiers: ClinVar variation 1032566 (VCV001032566.1), dbSNP rs2037993710, ClinGen allele CA393935706.

ClinVar aggregate classification (germline): Uncertain significance (1 of 4 stars; one submission).

Conditions:
Intellectual developmental disorder, autosomal recessive 27. Also called: Mental retardation, autosomal recessive 27; Intellectual disability, autosomal recessive 27. Identifiers: Orphanet 88616, MedGen C3280538, MONDO:0013702, OMIM 614340.

Submission:

Baylor Genetics
Classification: Uncertain significance for Intellectual developmental disorder, autosomal recessive 27. Last evaluated: 2018-09-10. Review status: criteria provided, single submitter. Criteria: ACMG Guidelines, 2015. Collection method: clinical testing. Allele origin: paternal. Affected: yes.
Comment: This variant was determined to be of uncertain significance according to ACMG Guidelines, 2015 [PMID:25741868].